The following is an entry in ClinVar:

NM_000434.4(NEU1):c.451G>A (p.Val151Ile)

Gene: NEU1 (neuraminidase 1; minus strand). Cytogenetic location: 6p21.33.
Variant type: single nucleotide variant.
Coding change: c.451G>A on transcript NM_000434.4 (MANE Select); coding-DNA position 451, G replaced by A.
Protein change: p.Val151Ile; replaces valine 151 with isoleucine.
Molecular consequence: missense variant.
Genome position (GRCh38, 1-based): chr6:31,861,352, C>T on the plus strand (G>A on the coding strand, the complement: NEU1 is on the minus strand). VCF-style: chr6-31861352-C-T. GRCh37 (hg19) VCF-style: chr6-31829129-C-T.
Other names: short protein forms V151I.
Identifiers: ClinVar variation 501129 (VCV000501129.47), dbSNP rs1554252689, ClinGen allele CA363494666.

ClinVar aggregate classification (germline): Uncertain significance. Review status: criteria provided, multiple submitters, no conflicts (2 of 4 stars). 3 submissions from 3 submitters: Uncertain significance (3). Last evaluated 2024-01-01.

Submissions (3):

CeGaT Center for Human Genetics Tuebingen
Classification: Uncertain significance. Last evaluated: 2024-01-01. Review status: criteria provided, single submitter. Criteria: CeGaT Center For Human Genetics Tuebingen Variant Classification Criteria Version 2. Collection method: clinical testing. Allele origin: germline. Affected: yes. Observed: 4 variant alleles.
Comment: NEU1: PM3:Strong, PM2, BP4

Labcorp Genetics (formerly Invitae), Labcorp
Classification: Uncertain significance. Last evaluated: 2022-06-05. Review status: criteria provided, single submitter. Criteria: Invitae Variant Classification Sherloc (09022015). Collection method: clinical testing. Allele origin: germline.
Comment: Algorithms developed to predict the effect of sequence changes on RNA splicing suggest that this variant may create or strengthen a splice site. In summary, the available evidence is currently insufficient to determine the role of this variant in disease. Therefore, it has been classified as a Variant of Uncertain Significance. Algorithms developed to predict the effect of missense changes on protein structure and function (SIFT, PolyPhen-2, Align-GVGD) all suggest that this variant is likely to be tolerated. ClinVar contains an entry for this variant (Variation ID: 501129). This variant has not been reported in the literature in individuals affected with NEU1-related conditions. This variant is not present in population databases (gnomAD no frequency). This sequence change replaces valine, which is neutral and non-polar, with isoleucine, which is neutral and non-polar, at codon 151 of the NEU1 protein (p.Val151Ile).

Eurofins Ntd Llc (ga)
Classification: Uncertain significance. Last evaluated: 2017-04-13. Review status: criteria provided, single submitter. Criteria: EGL Classification Definitions 2015. Collection method: clinical testing. Allele origin: germline. Observed: 1 variant allele, 1 homozygote.